The following is an entry in ClinVar:

NM_001999.4(FBN2):c.4346-2A>C

Gene: FBN2 (fibrillin 2; minus strand). Cytogenetic location: 5q23.3.
Variant type: single nucleotide variant.
Coding change: c.4346-2A>C on transcript NM_001999.4 (MANE Select); the canonical splice acceptor site of the intron before coding-DNA position 4346, A replaced by C.
Molecular consequence: splice acceptor variant.
Genome position (GRCh38, 1-based): chr5:128,328,823, T>G on the plus strand (A>C on the coding strand, the complement: FBN2 is on the minus strand). VCF-style: chr5-128328823-T-G. GRCh37 (hg19) VCF-style: chr5-127664515-T-G.
Identifiers: ClinVar variation 1739885 (VCV001739885.2), dbSNP rs587776518, ClinGen allele CA360753366.

ClinVar aggregate classification (germline): Likely pathogenic (1 of 4 stars; one submission).

Conditions:
Familial thoracic aortic aneurysm and aortic dissection (TAAD). Also called: Thoracic aortic aneurysms and dissections. Identifiers: Orphanet 91387, MedGen C4707243, MONDO:0019625.

Submission:

Ambry Genetics
Classification: Likely pathogenic for Familial thoracic aortic aneurysm and aortic dissection. Last evaluated: 2017-01-30. Review status: criteria provided, single submitter. Criteria: Ambry Variant Classification Scheme 2023. Collection method: clinical testing. Allele origin: germline.
Comment: The c.4346-2A>C intronic variant results from an A to C substitution two nucleotides upstream from coding exon 34 in the FBN2 gene, which encodes a calcum-binding EGF-like domain. An alternate substitution at this position (c.4346-2A>T) was reported to cause skipping of exon 34 in a mother and daughter with congenital contractural arachnodactyly (CCA); the daughter demonstrated clinical features of severe neonatal CCA, while her mother had classic CCA and was found to be mosaic for the splicing alteration (Wang M et al. Am. J. Hum. Genet., 1996 Nov;59:1027-34). This nucleotide position is highly conserved in available vertebrate species. Using the BDGP and ESEfinder splice site prediction tools, this alteration is predicted to abolish the native splice acceptor site; however, direct evidence is unavailable. Alterations that disrupt the canonical splice site are expected to cause aberrant splicing, resulting in an abnormal protein or a transcript that is subject to nonsense-mediated mRNA decay. Other variants that cause in-frame exon skipping in FBN2 have been reported in association with CCA. As such, this alteration is classified as likely pathogenic.

Literature cited by the submitters: PubMed 8900230.